The following is an entry in ClinVar:

ClinVar aggregate classification (germline): Likely benign. Review status: criteria provided, multiple submitters, no conflicts (2 of 4 stars). 2 submissions from 2 submitters: Likely benign (2). Last evaluated 2026-01-01.

Allele frequency attached by ClinVar (database versions not stated): 1000 Genomes Project 30x 0.00016; 1000 Genomes Project 0.00020; gnomAD 0.00046 and 0.00049; TOPMed 0.00053; ESP Exome Variant Server 0.00082.
gnomAD v4.1: 1,089 of 1,613,870 alleles (0.067%); highest among the groups gnomAD compares: Middle Eastern, 0.082%; no homozygotes.

Submissions (2):

CeGaT Center for Human Genetics Tuebingen
Classification: Likely benign. Last evaluated: 2026-01-01. Review status: criteria provided, single submitter. Criteria: CeGaT Center For Human Genetics Tuebingen Variant Classification Criteria Version 2. Collection method: clinical testing. Allele origin: germline. Affected: yes. Observed: 6 variant alleles.
Comment: TNIK: BP4, BP7

Labcorp Genetics (formerly Invitae), Labcorp
Classification: Likely benign. Last evaluated: 2019-12-31. Review status: criteria provided, single submitter. Criteria: Invitae Variant Classification Sherloc (09022015). Collection method: clinical testing. Allele origin: germline.

NM_015028.4(TNIK):c.3225G>A (p.Gly1075=)

Gene: TNIK (TRAF2 and NCK interacting kinase; minus strand). Cytogenetic location: 3q26.2.
Variant type: single nucleotide variant.
Coding change: c.3225G>A on transcript NM_015028.4 (MANE Select); coding-DNA position 3225, G replaced by A.
Protein change: p.Gly1075=; no amino-acid change (glycine 1075 retained).
Molecular consequence: synonymous variant.
Genome position (GRCh38, 1-based): chr3:171,082,339, C>T on the plus strand (G>A on the coding strand, the complement: TNIK is on the minus strand). VCF-style: chr3-171082339-C-T. GRCh37 (hg19) VCF-style: chr3-170800128-C-T.
Other names: c.3201G>A, p.Gly1067= (NM_001161560.3); c.3138G>A, p.Gly1046= (NM_001161561.3); c.3114G>A, p.Gly1038= (NM_001161562.3); c.3060G>A, p.Gly1020= (NM_001161563.3); c.3036G>A, p.Gly1012= (NM_001161564.3); c.2973G>A, p.Gly991= (NM_001161565.3); c.2949G>A, p.Gly983= (NM_001161566.3).
Identifiers: ClinVar variation 734166 (VCV000734166.38), dbSNP rs55899038, ClinGen allele CA2702978.